The following is an entry in ClinVar:

ClinVar aggregate classification (germline): Benign/Likely benign. Review status: criteria provided, multiple submitters, no conflicts (2 of 4 stars). 2 submissions from 2 submitters: Benign (1); Likely benign (1). Last evaluated 2024-09-10.

Conditions:
Familial cancer of breast. Also called: Hereditary breast cancer; BREAST CANCER, FAMILIAL; hereditary breast carcinoma. Identifiers: Orphanet 227535, MedGen C0346153, MONDO:0016419, OMIM 114480. Disease mechanism: loss of function.
Fanconi anemia complementation group J. Also called: BRIP1-Related Fanconi Anemia. Identifiers: Orphanet 84, MedGen C1836860, MONDO:0012187, OMIM 609054.

gnomAD v4.1: 1 of 1,611,474 alleles (0.000062%); highest among the groups gnomAD compares: African/African-American, 0.0013%; no homozygotes.

Submissions (2):

Myriad Genetics, Inc.
Classification: Benign for Familial cancer of breast. Last evaluated: 2024-09-10. Review status: criteria provided, single submitter. Criteria: Myriad Autosomal Dominant, Autosomal Recessive and X-Linked Classification Criteria (2023). Collection method: clinical testing. Allele origin: unknown.
Comment: This variant is considered benign. This variant is a silent/synonymous amino acid change and it is not expected to impact splicing.

Labcorp Genetics (formerly Invitae), Labcorp
Classification: Likely benign for Familial cancer of breast; Fanconi anemia complementation group J. Last evaluated: 2023-05-19. Review status: criteria provided, single submitter. Criteria: Invitae Variant Classification Sherloc (09022015). Collection method: clinical testing. Allele origin: germline.

NM_032043.3(BRIP1):c.3696G>A (p.Lys1232=)

Gene: BRIP1 (BRCA1 interacting DNA helicase 1; minus strand). Cytogenetic location: 17q23.2.
Variant type: single nucleotide variant.
Coding change: c.3696G>A on transcript NM_032043.3 (MANE Select); coding-DNA position 3696, G replaced by A.
Protein change: p.Lys1232=; no amino-acid change (lysine 1232 retained).
Molecular consequence: synonymous variant.
Genome position (GRCh38, 1-based): chr17:61,683,350, C>T on the plus strand (G>A on the coding strand, the complement: BRIP1 is on the minus strand). VCF-style: chr17-61683350-C-T. GRCh37 (hg19) VCF-style: chr17-59760711-C-T.
Identifiers: ClinVar variation 1571508 (VCV001571508.10), dbSNP rs2061297235, ClinGen allele CA501335089.